The following is an entry in ClinVar:

ClinVar aggregate classification (germline): Uncertain significance. Review status: criteria provided, multiple submitters, no conflicts (2 of 4 stars). 4 submissions from 4 submitters: Uncertain significance (4). Last evaluated 2024-08-30.

Conditions:
Aortic aneurysm, familial thoracic 4 (AAT4). Also called: AORTIC ANEURYSM/AORTIC DISSECTION AND PATENT DUCTUS ARTERIOSUS. Identifiers: MedGen C1851504, MONDO:0007568, OMIM 132900.
Visceral myopathy 2. Identifiers: MedGen C5543466, MONDO:0859157, OMIM 619350.
Megacystis-microcolon-intestinal hypoperistalsis syndrome 2. Identifiers: MedGen C5543476, MONDO:0025708, OMIM 619351.
Familial thoracic aortic aneurysm and aortic dissection (TAAD). Also called: Thoracic aortic aneurysms and dissections. Identifiers: Orphanet 91387, MedGen C4707243, MONDO:0019625.

Allele frequency attached by ClinVar (database versions not stated): gnomAD exomes below 0.00001 and 0.00001; ExAC 0.00002; gnomAD 0.00005; TOPMed 0.00005; ESP Exome Variant Server 0.00008.
gnomAD v4.1: 11 of 1,613,936 alleles (0.00068%); highest among the groups gnomAD compares: African/African-American, 0.011%; no homozygotes.

Submissions (4):

All of Us Research Program, National Institutes of Health
Classification: Uncertain significance for Familial thoracic aortic aneurysm and aortic dissection. Last evaluated: 2024-08-30. Review status: criteria provided, single submitter. Criteria: ACMG Guidelines, 2015. Collection method: clinical testing. Allele origin: germline. Inheritance: Autosomal dominant inheritance. Observed: 2 variant alleles, 2 heterozygotes.
Comment: This missense variant replaces alanine with threonine at codon 1543 of the MYH11 protein. Computational prediction tools indicate that this variant has a neutral impact on protein structure and function. To our knowledge, functional studies have not been reported for this variant. This variant has not been reported in individuals affected with MYH11-related disorders in the literature. This variant has been identified in 4/282792 chromosomes in the general population by the Genome Aggregation Database (gnomAD). The available evidence is insufficient to determine the role of this variant in disease conclusively. Therefore, this variant is classified as a Variant of Uncertain Significance.

This study involves interpretation of variants in research participants for the purpose of population health screening. Participant phenotype was not available at the time of variant classification. Additional details can be found in publication PMID: 35346344, PMCID: PMC8962531

Fulgent Genetics
Classification: Uncertain significance for Aortic aneurysm, familial thoracic 4; Visceral myopathy 2; Megacystis-microcolon-intestinal hypoperistalsis syndrome 2. Last evaluated: 2021-09-14. Review status: criteria provided, single submitter. Criteria: ACMG Guidelines, 2015. Collection method: clinical testing. Allele origin: unknown.

Ambry Genetics
Classification: Uncertain significance for Familial thoracic aortic aneurysm and aortic dissection. Last evaluated: 2021-05-04. Review status: criteria provided, single submitter. Criteria: Ambry Variant Classification Scheme 2023. Collection method: clinical testing. Allele origin: germline.
Comment: The p.A1536T variant (also known as c.4606G>A), located in coding exon 32 of the MYH11 gene, results from a G to A substitution at nucleotide position 4606. The alanine at codon 1536 is replaced by threonine, an amino acid with similar properties. This amino acid position is not well conserved in available vertebrate species, and threonine is the reference amino acid in other vertebrate species. In addition, this alteration is predicted to be tolerated by in silico analysis. Since supporting evidence is limited at this time, the clinical significance of this alteration remains unclear.

Labcorp Genetics (formerly Invitae), Labcorp
Classification: Uncertain significance for Aortic aneurysm, familial thoracic 4. Last evaluated: 2018-12-25. Review status: criteria provided, single submitter. Criteria: Invitae Variant Classification Sherloc (09022015). Collection method: clinical testing. Allele origin: germline.
Comment: This sequence change replaces alanine with threonine at codon 1543 of the MYH11 protein (p.Ala1543Thr). The alanine residue is highly conserved and there is a small physicochemical difference between alanine and threonine. This variant is present in population databases (rs373815046, ExAC 0.02%). This variant has not been reported in the literature in individuals with MYH11-related conditions. Algorithms developed to predict the effect of missense changes on protein structure and function (SIFT, PolyPhen-2, Align-GVGD) all suggest that this variant is likely to be tolerated, but these predictions have not been confirmed by published functional studies and their clinical significance is uncertain. In summary, the available evidence is currently insufficient to determine the role of this variant in disease. Therefore, it has been classified as a Variant of Uncertain Significance.

NM_002474.3(MYH11):c.4606G>A (p.Ala1536Thr)

Genes: MYH11 (myosin heavy chain 11; minus strand), NDE1 (nudE neurodevelopment protein 1; plus strand). Cytogenetic location: 16p13.11.
Variant type: single nucleotide variant.
Coding change: c.4606G>A on transcript NM_002474.3 (MANE Select); coding-DNA position 4606, G replaced by A.
Protein change: p.Ala1536Thr; replaces alanine 1536 with threonine.
Molecular consequence: missense variant. On other transcripts: intron variant (2).
Genome position (GRCh38, 1-based): chr16:15,721,024, C>T on the plus strand (G>A on the coding strand, the complement: MYH11 is on the minus strand). VCF-style: chr16-15721024-C-T. GRCh37 (hg19) VCF-style: chr16-15814881-C-T.
Other names: c.4627G>A, p.Ala1543Thr (NM_001040113.2, NM_001040114.2); c.4606G>A, p.Ala1536Thr (NM_022844.3); c.948-3167C>T (NM_001143979.2, NM_017668.3); short protein forms A1536T, A1543T.
Identifiers: ClinVar variation 664987 (VCV000664987.13), dbSNP rs373815046, ClinGen allele CA7921607.